The following is an entry in ClinVar:

NM_001243279.3(ACSF3):c.1469A>T (p.Glu490Val)

Gene: ACSF3 (acyl-CoA synthetase family member 3; plus strand). Cytogenetic location: 16q24.3.
Variant type: single nucleotide variant.
Coding change: c.1469A>T on transcript NM_001243279.3 (MANE Select); coding-DNA position 1469, A replaced by T.
Protein change: p.Glu490Val; replaces glutamic acid 490 with valine.
Molecular consequence: missense variant. On other transcripts: non-coding transcript variant (4).
Genome position (GRCh38, 1-based): chr16:89,145,369, A>T. VCF-style: chr16-89145369-A-T. GRCh37 (hg19) VCF-style: chr16-89211777-A-T.
Other names: c.1469A>T, p.Glu490Val (NM_001127214.4, NM_174917.5); c.674A>T, p.Glu225Val (NM_001284316.2); short protein forms E490V, E225V.
Identifiers: ClinVar variation 3707326 (VCV003707326.1).
Genomic context (GRCh38, chr16:89,145,369, plus strand): 5'-GCCGGACCTCAGTGGACATCATCAAGACTGGAGGCTACAAGGTCAGCGCCCTGGAGGTGG[A>T]GTGGCACCTGCTGGCCCACCCCAGCATCACAGGTGCGTGGCCGGACTTGGGCCAGGGAGG-3'
Protein context (NP_001230208.1, residues 480-500): GGYKVSALEV[Glu490Val]WHLLAHPSIT

ClinVar aggregate classification (germline): Likely pathogenic (1 of 4 stars; one submission).

Conditions:
Combined malonic and methylmalonic acidemia. Identifiers: Orphanet 289504, MedGen C3280314, MONDO:0013661, OMIM 614265.

gnomAD v4.1: 102 of 1,614,046 alleles (0.0063%); highest among the groups gnomAD compares: Non-Finnish European, 0.0079%; no homozygotes.

Submission:

Labcorp Genetics (formerly Invitae), Labcorp
Classification: Likely pathogenic for Combined malonic and methylmalonic acidemia. Last evaluated: 2024-01-04. Review status: criteria provided, single submitter. Criteria: Invitae Variant Classification Sherloc (09022015). Collection method: clinical testing. Allele origin: germline.
Comment: This sequence change replaces glutamic acid, which is acidic and polar, with valine, which is neutral and non-polar, at codon 490 of the ACSF3 protein (p.Glu490Val). This variant is present in population databases (rs770351070, gnomAD 0.006%). This variant has not been reported in the literature in individuals affected with ACSF3-related conditions. Advanced modeling of protein sequence and biophysical properties (such as structural, functional, and spatial information, amino acid conservation, physicochemical variation, residue mobility, and thermodynamic stability) performed at Invitae indicates that this missense variant is expected to disrupt ACSF3 protein function with a positive predictive value of 95%. This variant disrupts the p.Glu490 amino acid residue in ACSF3. Other variant(s) that disrupt this residue have been determined to be pathogenic (PMID: 26827111, 29858964). This suggests that this residue is clinically significant, and that variants that disrupt this residue are likely to be disease-causing. In summary, the currently available evidence indicates that the variant is pathogenic, but additional data are needed to prove that conclusively. Therefore, this variant has been classified as Likely Pathogenic.

Literature cited by the submitters: PubMed 26827111; PubMed 29858964.